The following is an entry in ClinVar:

ClinVar aggregate classification (germline): Uncertain significance (1 of 4 stars; one submission).

Conditions:
ALG6-congenital disorder of glycosylation 1C (CDG1C). Also called: CDG Ic; Congenital disorder of glycosylation type 1C; CARBOHYDRATE-DEFICIENT GLYCOPROTEIN SYNDROME, TYPE I, WITH DEFICIENT GLYCOSYLATION OF DOLICHOL-LINKED OLIGOSACCHARIDE; CARBOHYDRATE-DEFICIENT GLYCOPROTEIN SYNDROME, TYPE V; Congenital disorder of glycosylation, type Ic. Identifiers: Orphanet 79320, MedGen C2930997, MONDO:0011291, OMIM 603147.

Allele frequency attached by ClinVar (database versions not stated): gnomAD 0.00001; gnomAD exomes 0.00002 and 0.00003; ExAC 0.00004; 1000 Genomes Project 0.00020; 1000 Genomes Project 30x 0.00031.
gnomAD v4.1: 24 of 1,603,338 alleles (0.0015%); highest among the groups gnomAD compares: South Asian, 0.026%; no homozygotes.

Submission:

Labcorp Genetics (formerly Invitae), Labcorp
Classification: Uncertain significance for ALG6-congenital disorder of glycosylation 1C. Last evaluated: 2025-03-10. Review status: criteria provided, single submitter. Criteria: Invitae Variant Classification Sherloc (09022015). Collection method: clinical testing. Allele origin: germline.
Comment: This sequence change falls in intron 6 of the ALG6 gene. It does not directly change the encoded amino acid sequence of the ALG6 protein. It affects a nucleotide within the consensus splice site. This variant is present in population databases (rs549094888, gnomAD 0.02%). This variant has not been reported in the literature in individuals affected with ALG6-related conditions. ClinVar contains an entry for this variant (Variation ID: 1419636). Variants that disrupt the consensus splice site are a relatively common cause of aberrant splicing (PMID: 17576681, 9536098). Algorithms developed to predict the effect of sequence changes on RNA splicing suggest that this variant may disrupt the consensus splice site. In summary, the available evidence is currently insufficient to determine the role of this variant in disease. Therefore, it has been classified as a Variant of Uncertain Significance.

Literature cited by the submitters: PubMed 17576681; PubMed 9536098.

NM_013339.4(ALG6):c.430-3C>T

Gene: ALG6 (ALG6 alpha-1,3-glucosyltransferase; plus strand). Cytogenetic location: 1p31.3.
Variant type: single nucleotide variant.
Coding change: c.430-3C>T on transcript NM_013339.4 (MANE Select); 3 bases into the intron before coding-DNA position 430, C replaced by T.
Molecular consequence: intron variant.
Genome position (GRCh38, 1-based): chr1:63,407,059, C>T. VCF-style: chr1-63407059-C-T. GRCh37 (hg19) VCF-style: chr1-63872730-C-T.
Identifiers: ClinVar variation 1419636 (VCV001419636.6), dbSNP rs549094888, ClinGen allele CA888174.